The following is an entry in ClinVar:

ClinVar aggregate classification (germline): Uncertain significance (1 of 4 stars; one submission).

Conditions:
Immunodeficiency, common variable, 7. Identifiers: Orphanet 1572, Orphanet 696894, MedGen C3542922, MONDO:0013862, OMIM 614699.

Allele frequency attached by ClinVar (database versions not stated): ExAC 0.00002.

Submission:

Labcorp Genetics (formerly Invitae), Labcorp
Classification: Uncertain significance for Immunodeficiency, common variable, 7. Last evaluated: 2019-11-14. Review status: criteria provided, single submitter. Criteria: Invitae Variant Classification Sherloc (09022015). Collection method: clinical testing. Allele origin: germline.
Comment: This sequence change replaces valine with leucine at codon 14 of the CR2 protein (p.Val14Leu). The valine residue is weakly conserved and there is a small physicochemical difference between valine and leucine. This variant is present in population databases (rs754824683, ExAC 0.01%). This variant has not been reported in the literature in individuals with CR2-related conditions. Algorithms developed to predict the effect of missense changes on protein structure and function output the following: SIFT: "Tolerated"; PolyPhen-2: "Benign"; Align-GVGD: "Class C0". The leucine amino acid residue is found in multiple mammalian species, suggesting that this missense change does not adversely affect protein function. These predictions have not been confirmed by published functional studies and their clinical significance is uncertain. In summary, the available evidence is currently insufficient to determine the role of this variant in disease. Therefore, it has been classified as a Variant of Uncertain Significance.

NM_001006658.3(CR2):c.40G>C (p.Val14Leu)

Gene: CR2 (complement C3d receptor 2; plus strand). Cytogenetic location: 1q32.2.
Variant type: single nucleotide variant.
Coding change: c.40G>C on transcript NM_001006658.3 (MANE Select); coding-DNA position 40, G replaced by C.
Protein change: p.Val14Leu; replaces valine 14 with leucine.
Molecular consequence: missense variant.
Genome position (GRCh38, 1-based): chr1:207,454,458, G>C. VCF-style: chr1-207454458-G-C. GRCh37 (hg19) VCF-style: chr1-207627803-G-C.
Other names: c.40G>C, p.Val14Leu (NM_001877.5); short protein forms V14L.
Identifiers: ClinVar variation 969353 (VCV000969353.9), dbSNP rs754824683, ClinGen allele CA1368335.